The following is an entry in ClinVar:

ClinVar aggregate classification (germline): Conflicting classifications of pathogenicity. Review status: criteria provided, conflicting classifications (1 of 4 stars). 8 submissions from 8 submitters: Uncertain significance (7); Likely benign (1). Last evaluated 2026-01-28.

Conditions:
Desmoid disease, hereditary (DESMD). Also called: FIBROMATOSIS, FAMILIAL INFILTRATIVE. Identifiers: Orphanet 873, MedGen C1851124, OMIM 135290. Disease mechanism: loss of function.
Gastric cancer. Also called: Stomach cancer; Malignant tumor of stomach. Identifiers: MedGen C0024623, MeSH D013274, MONDO:0001056, OMIM 613659, HP:0012126.
Familial adenomatous polyposis 1 (FAP1). Also called: POLYPOSIS, ADENOMATOUS INTESTINAL; FAMILIAL ADENOMATOUS POLYPOSIS 1, ATTENUATED. Identifiers: MedGen C2713442, MONDO:0021056, OMIM 175100. Disease mechanism: loss of function.
Gastric adenocarcinoma and proximal polyposis of the stomach (GAPPS). Also called: Polyposis, gastric, Dos Santos and de Magalhaes 1980; POLYPOSIS, GASTRIC; Gastric Adenocarcinoma and Proximal Polyposis of the Stomach (GAPPS). Identifiers: Orphanet 314022, MedGen C4749917, MONDO:0017790, OMIM 619182.
Hepatocellular carcinoma (HCC). Also called: Primary carcinoma of liver; HEPATOMA; LIVER CELL CARCINOMA. Identifiers: Orphanet 88673, MedGen C2239176, MONDO:0007256, OMIM 114550, HP:0001402.
Colorectal cancer. Also called: Colorectal cancer, somatic; Malignant Colorectal Neoplasm. Identifiers: MedGen C0346629, MONDO:0005575, OMIM 114500.
Hereditary cancer-predisposing syndrome. Also called: Neoplastic Syndromes, Hereditary; Hereditary neoplastic syndrome; Hereditary Cancer Syndrome; Tumor predisposition. Identifiers: Orphanet 140162, MedGen C0027672, MeSH D009386, MONDO:0015356.
Classic or attenuated familial adenomatous polyposis. Identifiers: MedGen CN372698, MONDO:0021057.

Allele frequency attached by ClinVar (database versions not stated): gnomAD 0.00001; gnomAD exomes 0.00001 and 0.00002; TOPMed 0.00001; ExAC 0.00002.
gnomAD v4.1: 11 of 1,613,726 alleles (0.00068%); highest among the groups gnomAD compares: Non-Finnish European, 0.00093%; no homozygotes.

Submissions (8):

Labcorp Genetics (formerly Invitae), Labcorp
Classification: Uncertain significance for Familial adenomatous polyposis 1. Last evaluated: 2026-01-28. Review status: criteria provided, single submitter. Criteria: Invitae Variant Classification Sherloc (09022015). Collection method: clinical testing. Allele origin: germline.
Comment: This sequence change replaces arginine, which is basic and polar, with methionine, which is neutral and non-polar, at codon 1876 of the APC protein (p.Arg1876Met). This variant is present in population databases (rs773201570, gnomAD 0.004%). This missense change has been observed in individual(s) with APC-related conditions (PMID: 35430768). ClinVar contains an entry for this variant (Variation ID: 229993). Invitae Evidence Modeling of protein sequence and biophysical properties (such as structural, functional, and spatial information, amino acid conservation, physicochemical variation, residue mobility, and thermodynamic stability) indicates that this missense variant is not expected to disrupt APC protein function with a negative predictive value of 95%. In summary, the available evidence is currently insufficient to determine the role of this variant in disease. Therefore, it has been classified as a Variant of Uncertain Significance.

Center for Genomic Medicine, Rigshospitalet, Copenhagen University Hospital
Classification: Uncertain significance. Last evaluated: 2025-12-29. Review status: criteria provided, single submitter. Criteria: ACMG Guidelines, 2015. Collection method: clinical testing. Allele origin: germline.
Comment: Classification criteria: BP4

Women's Health and Genetics/Laboratory Corporation of America, LabCorp
Classification: Uncertain significance. Last evaluated: 2025-07-21. Review status: criteria provided, single submitter. Criteria: LabCorp Variant Classification Summary - May 2015. Collection method: clinical testing. Allele origin: germline.
Comment: Variant summary: APC c.5627G>T (p.Arg1876Met) results in a non-conservative amino acid change in the encoded protein sequence. Algorithms developed to predict the effect of missense changes on protein structure and function all suggest that this variant is likely to be disruptive. The variant allele was found at a frequency of 1.6e-05 in 250856 control chromosomes. The available data on variant occurrences in the general population are insufficient to allow any conclusion about variant significance. c.5627G>T has been observed in individual(s) affected with Colorectal Cancer (Svensson_2022). These report(s) do not provide unequivocal conclusions about association of the variant with Familial Adenomatous Polyposis. To our knowledge, no experimental evidence demonstrating an impact on protein function has been reported. The following publication have been ascertained in the context of this evaluation (PMID: 35430768). ClinVar contains an entry for this variant (Variation ID: 229993). Based on the evidence outlined above, the variant was classified as uncertain significance.

All of Us Research Program, National Institutes of Health
Classification: Uncertain significance for Classic or attenuated familial adenomatous polyposis. Last evaluated: 2023-12-13. Review status: criteria provided, single submitter. Criteria: ACMG Guidelines, 2015. Collection method: clinical testing. Allele origin: germline. Inheritance: Autosomal dominant inheritance. Observed: 2 variant alleles, 2 heterozygotes.
Comment: This missense variant replaces arginine with methionine at codon 1876 of the APC protein. Computational prediction suggests that this variant may have deleterious impact on protein structure and function (internally defined REVEL score threshold >= 0.7, PMID: 27666373). To our knowledge, functional studies have not been reported for this variant. This variant has not been reported in individuals affected with hereditary cancer in the literature. This variant has been identified in 5/282250 chromosomes in the general population by the Genome Aggregation Database (gnomAD). The available evidence is insufficient to determine the role of this variant in disease conclusively. Therefore, this variant is classified as a Variant of Uncertain Significance.

This study involves interpretation of variants in research participants for the purpose of population health screening. Participant phenotype was not available at the time of variant classification. Additional details can be found in publication PMID: 35346344, PMCID: PMC8962531

Color Diagnostics, LLC DBA Color Health
Classification: Uncertain significance for Hereditary cancer-predisposing syndrome. Last evaluated: 2023-11-09. Review status: criteria provided, single submitter. Criteria: ACMG Guidelines, 2015. Collection method: clinical testing. Allele origin: germline.
Comment: This missense variant replaces arginine with methionine at codon 1876 of the APC protein. Computational prediction suggests that this variant may not impact protein structure and function (internally defined REVEL score threshold <= 0.5, PMID: 27666373). To our knowledge, functional studies have not been reported for this variant. This variant has not been reported in individuals affected with APC-related disorders in the literature. This variant has been identified in 5/282250 chromosomes in the general population by the Genome Aggregation Database (gnomAD). The available evidence is insufficient to determine the role of this variant in disease conclusively. Therefore, this variant is classified as a Variant of Uncertain Significance.

GeneDx
Classification: Uncertain significance. Last evaluated: 2022-10-20. Review status: criteria provided, single submitter. Criteria: GeneDx Variant Classification Process June 2021. Collection method: clinical testing. Allele origin: germline. Affected: yes.
Comment: Not observed at significant frequency in large population cohorts (gnomAD); In silico analysis supports that this missense variant does not alter protein structure/function; Has not been previously published as pathogenic or benign to our knowledge; This variant is associated with the following publications: (PMID: 18199528)

Fulgent Genetics
Classification: Uncertain significance for Colorectal cancer; Hepatocellular carcinoma; Desmoid disease, hereditary; Familial adenomatous polyposis 1; Gastric cancer; Gastric adenocarcinoma and proximal polyposis of the stomach. Last evaluated: 2022-02-03. Review status: criteria provided, single submitter. Criteria: ACMG Guidelines, 2015. Collection method: clinical testing. Allele origin: unknown.

Ambry Genetics
Classification: Likely benign for Hereditary cancer-predisposing syndrome. Last evaluated: 2021-04-14. Review status: criteria provided, single submitter. Criteria: Ambry Variant Classification Scheme 2023. Collection method: clinical testing. Allele origin: germline.

Literature cited by the submitters: PubMed 35430768 (cited by Labcorp Genetics (formerly Invitae), Labcorp and Women's Health and Genetics/Laboratory Corporation of America, LabCorp).

NM_000038.6(APC):c.5627G>T (p.Arg1876Met)

Gene: APC (APC regulator of Wnt signaling pathway; plus strand). Cytogenetic location: 5q22.2.
Variant type: single nucleotide variant.
Coding change: c.5627G>T on transcript NM_000038.6 (MANE Select); coding-DNA position 5627, G replaced by T.
Protein change: p.Arg1876Met; replaces arginine 1876 with methionine.
Molecular consequence: missense variant.
Genome position (GRCh38, 1-based): chr5:112,841,221, G>T. VCF-style: chr5-112841221-G-T. GRCh37 (hg19) VCF-style: chr5-112176918-G-T.
Other names: c.5627G>T, p.Arg1876Met (NM_001127510.3, NM_001354895.2); c.5573G>T, p.Arg1858Met (NM_001127511.3); c.5681G>T, p.Arg1894Met (NM_001354896.2); c.5657G>T, p.Arg1886Met (NM_001354897.2); c.5552G>T, p.Arg1851Met (NM_001354898.2); c.5543G>T, p.Arg1848Met (NM_001354899.2); c.5504G>T, p.Arg1835Met (NM_001354900.2); c.5450G>T, p.Arg1817Met (NM_001354901.2); and 5 more; short protein forms R1858M, R1876M, R1750M, R1785M, R1894M, R1775M, R1817M, R1851M.
Identifiers: ClinVar variation 229993 (VCV000229993.28), dbSNP rs773201570, ClinGen allele CA042448.